The following is an entry in ClinVar:

NM_001378454.1(ALMS1):c.8756_8759del (p.Pro2919fs)

Gene: ALMS1 (ALMS1 centrosome and basal body associated protein; plus strand). Cytogenetic location: 2p13.1.
Variant type: Microsatellite.
Coding change: c.8756_8759del on transcript NM_001378454.1 (MANE Select); coding-DNA positions 8756 to 8759, 4 bases deleted (CTTC; older notation c.8756_8759delCTTC).
Protein change: p.Pro2919fs; shifts the reading frame from proline 2919.
Molecular consequence: frameshift variant.
Genome position (GRCh38, 1-based): chr2:73,490,715-73,490,718, CTTC deleted; deleting any 4 consecutive bases within chr2:73,490,710-73,490,718 gives the same sequence; the c. name uses the placement nearest the transcript's 3' end. VCF-style (leftmost placement, unchanged base first): chr2-73490709-ACCTT-A. GRCh37 (hg19) VCF-style: chr2-73717836-ACCTT-A.
Other names: c.8759_8762delCTTC (NM_015120.4); c.8759_8762del, p.Pro2920fs (NM_015120.4); short protein forms P2920fs, P2919fs.
Identifiers: ClinVar variation 552395 (VCV000552395.11), dbSNP rs1553409774, ClinGen allele CA658821982.

ClinVar aggregate classification (germline): Pathogenic/Likely pathogenic. Review status: criteria provided, multiple submitters, no conflicts (2 of 4 stars). 3 submissions from 3 submitters: Pathogenic (1); Likely pathogenic (1). 1 of the submissions does not count toward it. Last evaluated 2025-03-03.

Conditions:
Alstrom syndrome (ALMS). Identifiers: Orphanet 64, MedGen C0268425, MONDO:0008763, OMIM 203800.

Submissions (3):

Labcorp Genetics (formerly Invitae), Labcorp
Classification: Pathogenic for Alstrom syndrome. Last evaluated: 2025-03-03. Review status: criteria provided, single submitter. Criteria: Invitae Variant Classification Sherloc (09022015). Collection method: clinical testing. Allele origin: germline.
Comment: This sequence change creates a premature translational stop signal (p.Pro2920Leufs*19) in the ALMS1 gene. It is expected to result in an absent or disrupted protein product. Loss-of-function variants in ALMS1 are known to be pathogenic (PMID: 17594715). This variant is not present in population databases (gnomAD no frequency). This variant has not been reported in the literature in individuals affected with ALMS1-related conditions. ClinVar contains an entry for this variant (Variation ID: 552395). For these reasons, this variant has been classified as Pathogenic.

Natera, Inc.
Classification: Likely pathogenic for Alstrom syndrome. Last evaluated: 2024-10-14. Review status: criteria provided, single submitter. Criteria: Natera Variant Classification Schema (03/2026). Collection method: clinical testing. Allele origin: germline.
Comment: The c.8759_8762delCTTC variant in ALMS1 is a frameshift variant predicted to shift the reading frame beginning at codon 2920 and leads to a stop codon 19 codons downstream. This variant is expected to result in nonsense mediated decay, truncation, or a dysfunctional protein product. This variant is rare in the general population with a frequency below the threshold expected for the associated phenotype(s). Given the available evidence, this variant is classified as Likely Pathogenic.

Counsyl
Classification: Likely pathogenic for Alstrom syndrome. Last evaluated: 2017-06-21. Review status: no assertion criteria provided. Collection method: clinical testing. Allele origin: unknown. Not counted in ClinVar's aggregate classification.

Literature cited by the submitters: PubMed 17594715 (cited by Labcorp Genetics (formerly Invitae), Labcorp).